The following is an entry in ClinVar:

NM_000368.5(TSC1):c.2018C>G (p.Ser673Cys)

Gene: TSC1 (TSC complex subunit 1; minus strand). Cytogenetic location: 9q34.13.
Variant type: single nucleotide variant.
Coding change: c.2018C>G on transcript NM_000368.5 (MANE Select); coding-DNA position 2018, C replaced by G.
Protein change: p.Ser673Cys; replaces serine 673 with cysteine.
Molecular consequence: missense variant.
Genome position (GRCh38, 1-based): chr9:132,904,434, G>C on the plus strand (C>G on the coding strand, the complement: TSC1 is on the minus strand). VCF-style: chr9-132904434-G-C. GRCh37 (hg19) VCF-style: chr9-135779821-G-C.
Other names: c.2015C>G, p.Ser672Cys (NM_001162426.2); c.1865C>G, p.Ser622Cys (NM_001162427.2); c.1655C>G, p.Ser552Cys (NM_001362177.2); short protein forms S552C, S622C, S672C, S673C.
Identifiers: ClinVar variation 1024820 (VCV001024820.6), dbSNP rs774835995, ClinGen allele CA375361368.

ClinVar aggregate classification (germline): Uncertain significance (1 of 4 stars; one submission).

Conditions:
Tuberous sclerosis 1 (TSC1). Identifiers: Orphanet 805, MedGen C1854465, MONDO:0008612, OMIM 191100.

gnomAD v4.1: 1 of 1,614,074 alleles (0.000062%); highest among the groups gnomAD compares: Non-Finnish European, 0.000085%; no homozygotes.

Submission:

Labcorp Genetics (formerly Invitae), Labcorp
Classification: Uncertain significance for Tuberous sclerosis 1. Last evaluated: 2022-06-13. Review status: criteria provided, single submitter. Criteria: Invitae Variant Classification Sherloc (09022015). Collection method: clinical testing. Allele origin: germline.
Comment: This sequence change replaces serine, which is neutral and polar, with cysteine, which is neutral and slightly polar, at codon 673 of the TSC1 protein (p.Ser673Cys). This variant is not present in population databases (gnomAD no frequency). This variant has not been reported in the literature in individuals affected with TSC1-related conditions. ClinVar contains an entry for this variant (Variation ID: 1024820). Algorithms developed to predict the effect of missense changes on protein structure and function are either unavailable or do not agree on the potential impact of this missense change (SIFT: "Tolerated"; PolyPhen-2: "Probably Damaging"; Align-GVGD: "Class C0"). In summary, the available evidence is currently insufficient to determine the role of this variant in disease. Therefore, it has been classified as a Variant of Uncertain Significance.